The following is an entry in ClinVar:

NM_001375.3(DNASE2):c.1008C>T (p.Ala336=)

Gene: DNASE2 (deoxyribonuclease 2, lysosomal; minus strand). Cytogenetic location: 19p13.13.
Variant type: single nucleotide variant.
Coding change: c.1008C>T on transcript NM_001375.3 (MANE Select); coding-DNA position 1008, C replaced by T.
Protein change: p.Ala336=; no amino-acid change (alanine 336 retained).
Molecular consequence: synonymous variant.
Genome position (GRCh38, 1-based): chr19:12,876,065, G>A on the plus strand (C>T on the coding strand, the complement: DNASE2 is on the minus strand). VCF-style: chr19-12876065-G-A. GRCh37 (hg19) VCF-style: chr19-12986879-G-A.
Identifiers: ClinVar variation 1974914 (VCV001974914.29), dbSNP rs747606365, ClinGen allele CA9233654.
Genomic context (GRCh38, chr19:12,876,065, plus strand): 5'-TCTGCTGGGCTTCCTGGCCATGCCATTACAGGGCTGGTAGTTCTTCACCAGCGGCTGGAA[G>A]GCTTTCCAGAGGGCTGGCAGCTGGGCACACAGTGTGCCCCCACCCCGTTGCTCCTCTCCC-3'
Protein context (NP_001366.1, residues 326-346): LCAQLPALWK[Ala336=]FQPLVKNYQP

ClinVar aggregate classification (germline): Likely benign. Review status: criteria provided, multiple submitters, no conflicts (2 of 4 stars). 2 submissions from 2 submitters: Likely benign (2). Last evaluated 2025-05-18.

Allele frequency attached by ClinVar (database versions not stated): ExAC 0.00001; gnomAD exomes 0.00001.
gnomAD v4.1: 3 of 1,614,110 alleles (0.00019%); highest among the groups gnomAD compares: Non-Finnish European, 0.00025%; no homozygotes.

Submissions (2):

Labcorp Genetics (formerly Invitae), Labcorp
Classification: Likely benign. Last evaluated: 2025-05-18. Review status: criteria provided, single submitter. Criteria: Invitae Variant Classification Sherloc (09022015). Collection method: clinical testing. Allele origin: germline.

CeGaT Center for Human Genetics Tuebingen
Classification: Likely benign. Last evaluated: 2022-05-01. Review status: criteria provided, single submitter. Criteria: CeGaT Center For Human Genetics Tuebingen Variant Classification Criteria Version 2. Collection method: clinical testing. Allele origin: germline. Affected: yes. Observed: 1 variant allele.
Comment: DNASE2: BP4, BP7